The following is an entry in ClinVar:

ClinVar aggregate classification (germline): Pathogenic (1 of 4 stars; one submission).

Conditions:
Polycystic kidney disease, adult type (PKD1). Also called: POLYCYSTIC KIDNEY DISEASE, ADULT, TYPE I; Polycystic Kidney Disease 1, Autosomal Dominant; Polycystic kidney disease 1; Polycystic kidney disease 1, severe; Polycystic Kidney, Autosomal Dominant; POLYCYSTIC KIDNEY DISEASE 1 WITH OR WITHOUT POLYCYSTIC LIVER DISEASE. Identifiers: MedGen C3149841, MONDO:0008263, OMIM 173900.

Submission:

MVZ Medizinische Genetik Mainz
Classification: Pathogenic for Polycystic kidney disease, adult type. Last evaluated: 2026-06-09. Review status: criteria provided, single submitter. Criteria: UK Practice Guidelines For Variant Classification V4 01 2020. Collection method: clinical testing. Allele origin: germline. Inheritance: Autosomal dominant inheritance. Affected: yes. Observed: 1 variant allele.
Comment: ACMG Criteria: PVS1,PM2_SUP,PP4

NM_001009944.3(PKD1):c.2714_2715insT (p.Glu906fs)

Gene: PKD1 (polycystin 1, transient receptor potential channel interacting; minus strand). Cytogenetic location: 16p13.3.
Variant type: Insertion.
Coding change: c.2714_2715insT on transcript NM_001009944.3 (MANE Select); coding-DNA positions 2714 to 2715, T inserted.
Protein change: p.Glu906fs; shifts the reading frame from glutamic acid 906.
Molecular consequence: frameshift variant.
Genome position: GRCh38 VCF-style: chr16-2114308-C-CA. GRCh37 (hg19) VCF-style: chr16-2164309-C-CA.
Other names: c.2714_2715insT, p.Glu906fs (NM_000296.4); short protein forms E906fs.
Identifiers: ClinVar variation 4857257 (VCV004857257.1).
Genomic context (GRCh38, chr16:2,114,308, plus strand): 5'-CCGCAGGCTGAGGTTGGCCCGGCTGGCGCTGTTTTCCACCACCACGTCCACCACGTGCTC[C>CA]CCCTCACTGAGCCACGGCAGTGCTACCACTGAGAACAGGGTATCGTTGGTCTCCCAGGGG-3'